The following is an entry in ClinVar:

ClinVar aggregate classification (germline): Uncertain significance (1 of 4 stars; one submission).

Allele frequency attached by ClinVar (database versions not stated): gnomAD 0.00003; TOPMed 0.00005; ExAC 0.00007.
gnomAD v4.1: 50 of 1,613,828 alleles (0.0031%); highest among the groups gnomAD compares: Middle Eastern, 0.033%; no homozygotes.

Submission:

Labcorp Genetics (formerly Invitae), Labcorp
Classification: Uncertain significance. Last evaluated: 2025-01-25. Review status: criteria provided, single submitter. Criteria: Invitae Variant Classification Sherloc (09022015). Collection method: clinical testing. Allele origin: germline.
Comment: This sequence change replaces arginine, which is basic and polar, with glycine, which is neutral and non-polar, at codon 110 of the SETD5 protein (p.Arg110Gly). This variant is present in population databases (rs754152706, gnomAD 0.05%), and has an allele count higher than expected for a pathogenic variant. This variant has not been reported in the literature in individuals affected with SETD5-related conditions. ClinVar contains an entry for this variant (Variation ID: 2144744). An algorithm developed to predict the effect of missense changes on protein structure and function (PolyPhen-2) suggests that this variant is likely to be tolerated. In summary, the available evidence is currently insufficient to determine the role of this variant in disease. Therefore, it has been classified as a Variant of Uncertain Significance.

NM_001080517.3(SETD5):c.328A>G (p.Arg110Gly)

Gene: SETD5 (SET domain containing 5; plus strand). Cytogenetic location: 3p25.3.
Variant type: single nucleotide variant.
Coding change: c.328A>G on transcript NM_001080517.3 (MANE Select); coding-DNA position 328, A replaced by G.
Protein change: p.Arg110Gly; replaces arginine 110 with glycine.
Molecular consequence: missense variant. On other transcripts: 5 prime UTR variant (2).
Genome position (GRCh38, 1-based): chr3:9,434,484, A>G. VCF-style: chr3-9434484-A-G. GRCh37 (hg19) VCF-style: chr3-9476168-A-G.
Other names: c.-6A>G (NM_001292043.2); c.-47A>G (NM_001349451.2); short protein forms R110G.
Identifiers: ClinVar variation 2144744 (VCV002144744.4), dbSNP rs754152706, ClinGen allele CA2238910.